The following is an entry in ClinVar:

NM_001093.4(ACACB):c.2523T>C (p.Asn841=)

Gene: ACACB (acetyl-CoA carboxylase beta; plus strand). Cytogenetic location: 12q24.11.
Variant type: single nucleotide variant.
Coding change: c.2523T>C on transcript NM_001093.4 (MANE Select); coding-DNA position 2523, T replaced by C.
Protein change: p.Asn841=; no amino-acid change (asparagine 841 retained).
Molecular consequence: synonymous variant.
Genome position (GRCh38, 1-based): chr12:109,197,049, T>C. VCF-style: chr12-109197049-T-C. GRCh37 (hg19) VCF-style: chr12-109634854-T-C.
Other names: c.2523T>C, p.Asn841= (NM_001412734.1, NM_001412735.1); c.1917T>C, p.Asn639= (NM_001412736.1, NM_001412738.1, NM_001412739.1 and 2 more transcripts); c.1896T>C, p.Asn632= (NM_001412737.1).
Identifiers: ClinVar variation 3037034 (VCV003037034.2), dbSNP rs150233687, ClinGen allele CA6773670.

ClinVar aggregate classification (germline): Likely benign (0 of 4 stars; one submission).

Conditions:
ACACB-related disorder. Also called: ACACB-related condition.

Allele frequency attached by ClinVar (database versions not stated): gnomAD exomes 0.00006; ExAC 0.00010; ESP Exome Variant Server 0.00023; TOPMed 0.00034; gnomAD 0.00035; 1000 Genomes Project 30x 0.00047; 1000 Genomes Project 0.00060.
gnomAD v4.1: 154 of 1,591,454 alleles (0.0097%); highest among the groups gnomAD compares: African/African-American, 0.15%; 1 homozygote.

Submission:

PreventionGenetics, part of Exact Sciences
Classification: Likely benign for ACACB-related condition. Last evaluated: 2022-11-04. Review status: no assertion criteria provided. Collection method: clinical testing. Allele origin: germline.
Comment: This variant is classified as likely benign based on ACMG/AMP sequence variant interpretation guidelines (Richards et al. 2015 PMID: 25741868, with internal and published modifications).